The following is an entry in ClinVar:

NM_015450.3(POT1):c.139G>T (p.Val47Leu)

Gene: POT1 (protection of telomeres 1; minus strand). Cytogenetic location: 7q31.33.
Variant type: single nucleotide variant.
Coding change: c.139G>T on transcript NM_015450.3 (MANE Select); coding-DNA position 139, G replaced by T.
Protein change: p.Val47Leu; replaces valine 47 with leucine.
Molecular consequence: missense variant. On other transcripts: non-coding transcript variant (3), intron variant (1).
Genome position (GRCh38, 1-based): chr7:124,871,027, C>A on the plus strand (G>T on the coding strand, the complement: POT1 is on the minus strand). VCF-style: chr7-124871027-C-A. GRCh37 (hg19) VCF-style: chr7-124511081-C-A.
Other names: c.-138-7387G>T (NM_001042594.2); short protein forms V47L.
Identifiers: ClinVar variation 4826614 (VCV004826614.1).
Genomic context (GRCh38, chr7:124,871,027, plus strand): 5'-CATAGTTTCCACTAAAGAGCAGGCAAGTTAGTTTTACATTTGTCTGGTCCACAATAGTTA[C>A]AACTGAGCAATAATCTGGAAAACACAAAAATATTTTACCTGACTTTCAATATTTTAAAGC-3'
Protein context (NP_056265.2, residues 37-57): LSKGTDYCSV[Val47Leu]TIVDQTNVKL

ClinVar aggregate classification (germline): Uncertain significance (1 of 4 stars; one submission).

Conditions:
Hereditary cancer-predisposing syndrome. Also called: Neoplastic Syndromes, Hereditary; Tumor predisposition; Hereditary Cancer Syndrome; Hereditary neoplastic syndrome. Identifiers: Orphanet 140162, MedGen C0027672, MeSH D009386, MONDO:0015356.

Submission:

Ambry Genetics
Classification: Uncertain significance for Hereditary cancer-predisposing syndrome. Last evaluated: 2026-03-11. Review status: criteria provided, single submitter. Criteria: Ambry Variant Classification Scheme 2023. Collection method: clinical testing. Allele origin: germline.
Comment: The p.V47L variant (also known as c.139G>T), located in coding exon 3 of the POT1 gene, results from a G to T substitution at nucleotide position 139. The valine at codon 47 is replaced by leucine, an amino acid with highly similar properties. This amino acid position is conserved. In addition, this alteration is predicted to be tolerated by in silico analysis. Based on the available evidence, the clinical significance of this variant remains unclear.